The following is an entry in ClinVar:

ClinVar aggregate classification (germline): Uncertain significance. Review status: criteria provided, multiple submitters, no conflicts (2 of 4 stars). 2 submissions from 2 submitters: Uncertain significance (2). Last evaluated 2025-04-08.

Conditions:
KMT2E-related disorder. Also called: KMT2E-related condition.

gnomAD v4.1: 11 of 1,614,142 alleles (0.00068%); highest among the groups gnomAD compares: Non-Finnish European, 0.00085%; no homozygotes.

Submissions (2):

PreventionGenetics, part of Exact Sciences
Classification: Uncertain significance for KMT2E-related condition. Last evaluated: 2025-04-08. Review status: criteria provided, single submitter. Criteria: ACMG Guidelines, 2015. Collection method: clinical testing. Allele origin: germline.
Comment: The KMT2E c.3857C>T variant is predicted to result in the amino acid substitution p.Pro1286Leu. To our knowledge, this variant has not been reported in the literature. This variant is reported in 0.00088% of alleles in individuals of European (Non-Finnish) descent in gnomAD. At this time, the clinical significance of this variant is uncertain due to the absence of conclusive functional and genetic evidence.

Labcorp Genetics (formerly Invitae), Labcorp
Classification: Uncertain significance. Last evaluated: 2024-12-28. Review status: criteria provided, single submitter. Criteria: Invitae Variant Classification Sherloc (09022015). Collection method: clinical testing. Allele origin: germline.
Comment: This sequence change replaces proline, which is neutral and non-polar, with leucine, which is neutral and non-polar, at codon 1286 of the KMT2E protein (p.Pro1286Leu). This variant is present in population databases (no rsID available, gnomAD 0.0009%). This variant has not been reported in the literature in individuals affected with KMT2E-related conditions. Invitae Evidence Modeling of protein sequence and biophysical properties (such as structural, functional, and spatial information, amino acid conservation, physicochemical variation, residue mobility, and thermodynamic stability) indicates that this missense variant is not expected to disrupt KMT2E protein function with a negative predictive value of 80%. In summary, the available evidence is currently insufficient to determine the role of this variant in disease. Therefore, it has been classified as a Variant of Uncertain Significance.

NM_182931.3(KMT2E):c.3857C>T (p.Pro1286Leu)

Gene: KMT2E (lysine methyltransferase 2E (inactive); plus strand). Cytogenetic location: 7q22.3.
Variant type: single nucleotide variant.
Coding change: c.3857C>T on transcript NM_182931.3 (MANE Select); coding-DNA position 3857, C replaced by T.
Protein change: p.Pro1286Leu; replaces proline 1286 with leucine.
Molecular consequence: missense variant. On other transcripts: intron variant (1).
Genome position (GRCh38, 1-based): chr7:105,110,489, C>T. VCF-style: chr7-105110489-C-T. GRCh37 (hg19) VCF-style: chr7-104750936-C-T.
Other names: c.3857C>T, p.Pro1286Leu (NM_018682.4); c.3844+121C>T (NM_001410908.1); c.3857C>T (NM_182931.2); short protein forms P1286L.
Identifiers: ClinVar variation 3701524 (VCV003701524.3).